The following is an entry in ClinVar:

ClinVar aggregate classification (germline): Uncertain significance (1 of 4 stars; one submission).

Conditions:
Arrhythmogenic cardiomyopathy with wooly hair and keratoderma. Also called: Carvajal syndrome; PALMOPLANTAR KERATODERMA WITH LEFT VENTRICULAR CARDIOMYOPATHY AND WOOLLY HAIR; Dilated cardiomyopathy with woolly hair and keratoderma; Arrhythmogenic cardiomyopathy with woolly hair and keratoderma. Identifiers: Orphanet 65282, MedGen C1854063, MONDO:0011581, OMIM 605676.

Submission:

All of Us Research Program, National Institutes of Health
Classification: Uncertain significance for Arrhythmogenic cardiomyopathy with wooly hair and keratoderma. Last evaluated: 2024-08-23. Review status: criteria provided, single submitter. Criteria: ACMG Guidelines, 2015. Collection method: clinical testing. Allele origin: germline. Inheritance: Autosomal dominant inheritance. Observed: 1 variant allele, 1 heterozygote.
Comment: This missense variant replaces glutamic acid with alanine at codon 2448 of the DSP protein. Computational prediction suggests that this variant may not impact protein structure and function (internally defined REVEL score threshold <= 0.5, PMID: 27666373). To our knowledge, functional studies have not been reported for this variant. This variant has not been reported in individuals affected with DSP-related disorders in the literature. This variant has not been identified in the general population by the Genome Aggregation Database (gnomAD). The available evidence is insufficient to determine the role of this variant in disease conclusively. Therefore, this variant is classified as a Variant of Uncertain Significance.

This study involves interpretation of variants in research participants for the purpose of population health screening. Participant phenotype was not available at the time of variant classification. Additional details can be found in publication PMID: 35346344, PMCID: PMC8962531

NM_004415.4(DSP):c.7343A>C (p.Glu2448Ala)

Gene: DSP (desmoplakin; plus strand). Cytogenetic location: 6p24.3.
Variant type: single nucleotide variant.
Coding change: c.7343A>C on transcript NM_004415.4 (MANE Select); coding-DNA position 7343, A replaced by C.
Protein change: p.Glu2448Ala; replaces glutamic acid 2448 with alanine.
Molecular consequence: missense variant.
Genome position (GRCh38, 1-based): chr6:7,584,605, A>C. VCF-style: chr6-7584605-A-C. GRCh37 (hg19) VCF-style: chr6-7584838-A-C.
Other names: c.5546A>C, p.Glu1849Ala (NM_001008844.3); c.6014A>C, p.Glu2005Ala (NM_001319034.2); short protein forms E1849A, E2005A, E2448A.
Identifiers: ClinVar variation 3386717 (VCV003386717.1).
Genomic context (GRCh38, chr6:7,584,605, plus strand): 5'-AACTAAAAGAAAGATGCATTAAGGATGAGGAAACAGGGCTCTGTCTTCTGCCTCTGAAAG[A>C]AAAGAAGAAACAGGTGCAGACATCACAAAAGAATACCCTCAGGAAGCGTAGAGTGGTCAT-3'
Protein context (NP_004406.2, residues 2438-2458): ETGLCLLPLK[Glu2448Ala]KKKQVQTSQK